The following is an entry in ClinVar:

ClinVar aggregate classification (germline): Pathogenic (1 of 4 stars; one submission).

Conditions:
Hereditary spastic paraplegia 15 (SPG15). Also called: SPASTIC PARAPLEGIA 15, AUTOSOMAL RECESSIVE; KJELLIN SYNDROME; SPASTIC PARAPLEGIA AND RETINAL DEGENERATION. Identifiers: Orphanet 100996, MedGen C1849128, MONDO:0010044, OMIM 270700.

Submission:

Myriad Genetics, Inc.
Classification: Pathogenic for Hereditary spastic paraplegia 15. Last evaluated: 2024-06-16. Review status: criteria provided, single submitter. Criteria: Myriad Autosomal Dominant, Autosomal Recessive and X-Linked Classification Criteria (2023). Collection method: clinical testing. Allele origin: unknown.
Comment: NM_015346.3(ZFYVE26):c.2245delT(S749Qfs*47) is expected to be pathogenic in the context of spastic paraplegia type 15. This variant is predicted to lead to an abnormal or absent protein product due to the creation of a premature termination codon in ZFYVE26, a gene where loss-of-function variants are known to be pathogenic. Please note: this variant was assessed in the context of healthy population screening.

NM_015346.4(ZFYVE26):c.2245del (p.Ser749fs)

Gene: ZFYVE26 (zinc finger FYVE-type containing 26; minus strand). Cytogenetic location: 14q24.1.
Variant type: Deletion.
Coding change: c.2245del on transcript NM_015346.4 (MANE Select); coding-DNA position 2245, one base deleted (T; older notation c.2245delT).
Protein change: p.Ser749fs; shifts the reading frame from serine 749.
Molecular consequence: frameshift variant.
Genome position (GRCh38, 1-based): chr14:67,798,017, A deleted on the plus strand (T on the coding strand, the reverse complement: ZFYVE26 is on the minus strand); the first of 2 consecutive A bases (chr14:67,798,017-67,798,018); deleting either gives the same sequence. VCF-style (leftmost placement, unchanged base first): chr14-67798016-GA-G. GRCh37 (hg19) VCF-style: chr14-68264733-GA-G.
Other names: short protein forms S749fs.
Identifiers: ClinVar variation 5013186 (VCV005013186.1).